The following is an entry in ClinVar:

ClinVar aggregate classification (germline): Uncertain significance (1 of 4 stars; one submission).

Conditions:
Familial thoracic aortic aneurysm and aortic dissection (TAAD). Also called: Thoracic aortic aneurysms and dissections. Identifiers: Orphanet 91387, MedGen C4707243, MONDO:0019625.

gnomAD v4.1: 2 of 1,614,032 alleles (0.00012%); highest among the groups gnomAD compares: Non-Finnish European, 0.00017%; no homozygotes.

Submission:

All of Us Research Program, National Institutes of Health
Classification: Uncertain significance for Familial thoracic aortic aneurysm and aortic dissection. Last evaluated: 2024-07-20. Review status: criteria provided, single submitter. Criteria: ACMG Guidelines, 2015. Collection method: clinical testing. Allele origin: germline. Inheritance: Autosomal dominant inheritance. Observed: 1 variant allele, 1 heterozygote.
Comment: This missense variant replaces threonine with isoleucine at codon 1300 of the MYH11 protein. Computational prediction tools indicate that this variant's impact on protein structure and function is inconclusive. To our knowledge, functional studies have not been reported for this variant. This variant has not been reported in individuals affected with MYH11-related disorders in the literature. This variant has not been identified in the general population by the Genome Aggregation Database (gnomAD). The available evidence is insufficient to determine the role of this variant in disease conclusively. Therefore, this variant is classified as a Variant of Uncertain Significance.

This study involves interpretation of variants in research participants for the purpose of population health screening. Participant phenotype was not available at the time of variant classification. Additional details can be found in publication PMID: 35346344, PMCID: PMC8962531

NM_002474.3(MYH11):c.3878C>T (p.Thr1293Ile)

Genes: MYH11 (myosin heavy chain 11; minus strand), NDE1 (nudE neurodevelopment protein 1; plus strand). Cytogenetic location: 16p13.11.
Variant type: single nucleotide variant.
Coding change: c.3878C>T on transcript NM_002474.3 (MANE Select); coding-DNA position 3878, C replaced by T.
Protein change: p.Thr1293Ile; replaces threonine 1293 with isoleucine.
Molecular consequence: missense variant. On other transcripts: 3 prime UTR variant (2).
Genome position (GRCh38, 1-based): chr16:15,724,973, G>A on the plus strand (C>T on the coding strand, the complement: MYH11 is on the minus strand). VCF-style: chr16-15724973-G-A. GRCh37 (hg19) VCF-style: chr16-15818830-G-A.
Other names: c.3899C>T, p.Thr1300Ile (NM_001040113.2, NM_001040114.2); c.3878C>T, p.Thr1293Ile (NM_022844.3); c.*722G>A (NM_001143979.2, NM_017668.3); short protein forms T1293I, T1300I.
Identifiers: ClinVar variation 3387192 (VCV003387192.1).
Genomic context (GRCh38, chr16:15,724,973, plus strand): 5'-AGGGACGCCACGTCCTTGGCCAGCTTAATGGCCTTCCCCTCGGCCTCGTTAAGCATCCCT[G>A]TGACGCTCTCAACTTCATTCTAAGGGTGCCAAGAGACTGGTTAGTCAAAGCCTCTAGAAG-3'
Protein context (NP_002465.1, residues 1283-1303): HKLQNEVESV[Thr1293Ile]GMLNEAEGKA